The following is an entry in ClinVar:

NM_000390.4(CHM):c.50-2A>G

Gene: CHM (CHM Rab escort protein; minus strand). Cytogenetic location: Xq21.2.
Variant type: single nucleotide variant.
Coding change: c.50-2A>G on transcript NM_000390.4 (MANE Select); the canonical splice acceptor site of the intron before coding-DNA position 50, A replaced by G.
Molecular consequence: splice acceptor variant.
Genome position (GRCh38, 1-based): chrX:86,027,559, T>C on the plus strand (A>G on the coding strand, the complement: CHM is on the minus strand). VCF-style: chrX-86027559-T-C. GRCh37 (hg19) VCF-style: chrX-85282563-T-C.
Other names: c.-391-2A>G (NM_001362519.1, NM_001362518.2); c.-395-2A>G (NM_001362517.1, NM_001320959.1); c.50-2A>G (NM_001145414.4).
Identifiers: ClinVar variation 2701007 (VCV002701007.4), dbSNP rs2520867051, ClinGen allele CA413788170.
Genomic context (GRCh38, chrX:86,027,559, plus strand): 5'-ATGCAGAACTCTCCGGCCACTTCTTGAACATGCAGCTGCAATGATGGATTCAGGCAAACC[T>C]ACAAAAACACACACCCGTATCATTTAGAATGTAGAAATATATATATTTTACATAAAATGT-3'

ClinVar aggregate classification (germline): Likely pathogenic. Review status: criteria provided, single submitter (1 of 4 stars). 2 submissions from 2 submitters: Likely pathogenic (1). 1 of the submissions does not count toward it. Last evaluated 2023-12-05.

Conditions:
Retinal dystrophy. Also called: Inherited retinal dystrophy. Identifiers: Orphanet 71862, MedGen C0854723, MeSH D058499, MONDO:0019118, HP:0000556.

Submissions (2):

Labcorp Genetics (formerly Invitae), Labcorp
Classification: Likely pathogenic. Last evaluated: 2023-12-05. Review status: criteria provided, single submitter. Criteria: Invitae Variant Classification Sherloc (09022015). Collection method: clinical testing. Allele origin: germline.
Comment: This sequence change affects an acceptor splice site in intron 1 of the CHM gene. It is expected to disrupt RNA splicing. Variants that disrupt the donor or acceptor splice site typically lead to a loss of protein function (PMID: 16199547), and loss-of-function variants in CHM are known to be pathogenic (PMID: 9067750, 23811034). This variant is not present in population databases (gnomAD no frequency). This variant has not been reported in the literature in individuals affected with CHM-related conditions. Algorithms developed to predict the effect of sequence changes on RNA splicing suggest that this variant may disrupt the consensus splice site. In summary, the currently available evidence indicates that the variant is pathogenic, but additional data are needed to prove that conclusively. Therefore, this variant has been classified as Likely Pathogenic.

Institute of Human Genetics, Univ. Regensburg, Univ. Regensburg
Classification: Pathogenic for Retinal dystrophy. Last evaluated: 2017-01-01. Review status: no assertion criteria provided. Criteria: ACMG Guidelines, 2015. Collection method: clinical testing. Allele origin: germline. Affected: yes. Not counted in ClinVar's aggregate classification.

Literature cited by the submitters: PubMed 16199547 (cited by Labcorp Genetics (formerly Invitae), Labcorp); PubMed 9067750 (cited by Labcorp Genetics (formerly Invitae), Labcorp); PubMed 23811034 (cited by Labcorp Genetics (formerly Invitae), Labcorp).